The following is an entry in ClinVar:

ClinVar aggregate classification (germline): Uncertain significance (1 of 4 stars; one submission).

Submission:

Labcorp Genetics (formerly Invitae), Labcorp
Classification: Uncertain significance. Last evaluated: 2021-12-15. Review status: criteria provided, single submitter. Criteria: Invitae Variant Classification Sherloc (09022015). Collection method: clinical testing. Allele origin: germline.
Comment: Algorithms developed to predict the effect of sequence changes on RNA splicing suggest that this variant may create or strengthen a splice site. In summary, the available evidence is currently insufficient to determine the role of this variant in disease. Therefore, it has been classified as a Variant of Uncertain Significance. Algorithms developed to predict the effect of missense changes on protein structure and function are either unavailable or do not agree on the potential impact of this missense change (SIFT: "Tolerated"; PolyPhen-2: "Possibly Damaging"; Align-GVGD: "Class C0"). This variant has not been reported in the literature in individuals affected with PYROXD1-related conditions. This variant is not present in population databases (gnomAD no frequency). This sequence change replaces proline, which is neutral and non-polar, with serine, which is neutral and polar, at codon 297 of the PYROXD1 protein (p.Pro297Ser).

NM_024854.5(PYROXD1):c.889C>T (p.Pro297Ser)

Gene: PYROXD1 (pyridine nucleotide-disulphide oxidoreductase domain 1; plus strand). Cytogenetic location: 12p12.1.
Variant type: single nucleotide variant.
Coding change: c.889C>T on transcript NM_024854.5 (MANE Select); coding-DNA position 889, C replaced by T.
Protein change: p.Pro297Ser; replaces proline 297 with serine.
Molecular consequence: missense variant.
Genome position (GRCh38, 1-based): chr12:21,462,016, C>T. VCF-style: chr12-21462016-C-T. GRCh37 (hg19) VCF-style: chr12-21614950-C-T.
Other names: c.676C>T, p.Pro226Ser (NM_001350912.2); c.112C>T, p.Pro38Ser (NM_001350913.2); short protein forms P226S, P297S, P38S.
Identifiers: ClinVar variation 2043887 (VCV002043887.4), dbSNP rs2540274379, ClinGen allele CA384109949.